The following is an entry in ClinVar:

ClinVar aggregate classification (germline): Benign (1 of 4 stars; one submission).

Conditions:
Diaphyseal medullary stenosis-bone malignancy syndrome. Also called: MYOPATHY, LIMB-GIRDLE, WITH BONE FRAGILITY; BONE DYSPLASIA WITH MALIGNANT FIBROUS HISTIOCYTOMA; BONE DYSPLASIA WITH MEDULLARY FIBROSARCOMA. Identifiers: Orphanet 85182, MedGen C1862177, MONDO:0007205, OMIM 112250.

Allele frequency attached by ClinVar (database versions not stated): gnomAD 0.00003 and 0.00062; TOPMed 0.00009; 1000 Genomes Project 30x 0.00453; 1000 Genomes Project 0.00499.

Submission:

Illumina Laboratory Services, Illumina
Classification: Benign for Diaphyseal medullary stenosis-bone malignancy syndrome. Last evaluated: 2018-01-13. Review status: criteria provided, single submitter. Criteria: ICSL Variant Classification Criteria 13 December 2019. Collection method: clinical testing. Allele origin: germline.
Comment: This variant was observed in the ICSL laboratory as part of a predisposition screen in an ostensibly healthy population. It had not been previously curated by ICSL or reported in the Human Gene Mutation Database (HGMD: prior to June 1st, 2018), and was therefore a candidate for classification through an automated scoring system. Utilizing variant allele frequency, disease prevalence and penetrance estimates, and inheritance mode, an automated score was calculated to assess if this variant is too frequent to cause the disease. Based on the score and internal cut-off values, a variant classified as benign is not then subjected to further curation. The score for this variant resulted in a classification of benign for this disease.

NM_002451.4(MTAP):c.*606A>G

Gene: MTAP (methylthioadenosine phosphorylase; plus strand). Cytogenetic location: 9p21.3.
Variant type: single nucleotide variant.
Coding change: c.*606A>G on transcript NM_002451.4 (MANE Select); 606 bases downstream of the stop codon, A replaced by G.
Molecular consequence: 3 prime UTR variant.
Genome position (GRCh38, 1-based): chr9:21,862,620, A>G. VCF-style: chr9-21862620-A-G. GRCh37 (hg19) VCF-style: chr9-21862619-A-G.
Identifiers: ClinVar variation 366262 (VCV000366262.5), dbSNP rs566061531, ClinGen allele CA10629771.
Genomic context (GRCh38, chr9:21,862,620, plus strand): 5'-TAATGATAGTTATAATAATAAATAATTGAAACAATCTGAATCCCTTGCAATTGGAGGTAA[A>G]TTATGTCTTAGTTATAATTAGATTGTGAATCAGCCAACTGAAAATCCTTTTTGCATATTT-3'